The following is an entry in ClinVar:

NM_000038.6(APC):c.4412C>T (p.Ala1471Val)

Gene: APC (APC regulator of Wnt signaling pathway; plus strand). Cytogenetic location: 5q22.2.
Variant type: single nucleotide variant.
Coding change: c.4412C>T on transcript NM_000038.6 (MANE Select); coding-DNA position 4412, C replaced by T.
Protein change: p.Ala1471Val; replaces alanine 1471 with valine.
Molecular consequence: missense variant. On other transcripts: non-coding transcript variant (2).
Genome position (GRCh38, 1-based): chr5:112,840,006, C>T. VCF-style: chr5-112840006-C-T. GRCh37 (hg19) VCF-style: chr5-112175703-C-T.
Other names: c.4412C>T, p.Ala1471Val (NM_001127510.3, NM_001354895.2, NM_001407450.1); c.4358C>T, p.Ala1453Val (NM_001127511.3); c.4466C>T, p.Ala1489Val (NM_001354896.2, NM_001407447.1, NM_001407448.1 and 1 more transcripts); c.4442C>T, p.Ala1481Val (NM_001354897.2); c.4337C>T, p.Ala1446Val (NM_001354898.2); c.4328C>T, p.Ala1443Val (NM_001354899.2); c.4289C>T, p.Ala1430Val (NM_001354900.2); c.4235C>T, p.Ala1412Val (NM_001354901.2, NM_001407453.1); and 11 more; short protein forms A1370V, A1430V, A1443V, A1461V, A1481V, A1380V, A1464V, A1342V.
Identifiers: ClinVar variation 3411127 (VCV003411127.1).

ClinVar aggregate classification (germline): Uncertain significance (1 of 4 stars; one submission).

Conditions:
Hereditary cancer-predisposing syndrome. Also called: Neoplastic Syndromes, Hereditary; Tumor predisposition; Hereditary Cancer Syndrome; Hereditary neoplastic syndrome. Identifiers: Orphanet 140162, MedGen C0027672, MeSH D009386, MONDO:0015356.

Submission:

Ambry Genetics
Classification: Uncertain significance for Hereditary cancer-predisposing syndrome. Last evaluated: 2024-09-16. Review status: criteria provided, single submitter. Criteria: Ambry Variant Classification Scheme 2023. Collection method: clinical testing. Allele origin: germline.
Comment: The p.A1471V variant (also known as c.4412C>T), located in coding exon 15 of the APC gene, results from a C to T substitution at nucleotide position 4412. The alanine at codon 1471 is replaced by valine, an amino acid with similar properties. This amino acid position is conserved. In addition, in silico predictors for this gene do not accurately predict pathogenicity. Based on the available evidence, the clinical significance of this variant remains unclear.